The following is an entry in ClinVar:

NM_000441.2(SLC26A4):c.1606T>A (p.Tyr536Asn)

Gene: SLC26A4 (solute carrier family 26 member 4; plus strand). Cytogenetic location: 7q22.3.
Variant type: single nucleotide variant.
Coding change: c.1606T>A on transcript NM_000441.2 (MANE Select); coding-DNA position 1606, T replaced by A.
Protein change: p.Tyr536Asn; replaces tyrosine 536 with asparagine.
Molecular consequence: missense variant.
Genome position (GRCh38, 1-based): chr7:107,698,103, T>A. VCF-style: chr7-107698103-T-A. GRCh37 (hg19) VCF-style: chr7-107338548-T-A.
Other names: short protein forms Y536N.
Identifiers: ClinVar variation 3601747 (VCV003601747.1).

ClinVar aggregate classification (germline): Likely pathogenic (1 of 4 stars; one submission).

Conditions:
Autosomal recessive nonsyndromic hearing loss 4 (DFNB4). Also called: Deafness, autosomal recessive 4; FOXI1-Related Pendred Syndrome; KCNJ10-Related Pendred Syndrome; DEAFNESS, AUTOSOMAL RECESSIVE 4, WITH ENLARGED VESTIBULAR AQUEDUCT, DIGENIC; NEUROSENSORY NONSYNDROMIC RECESSIVE DEAFNESS 4; Nonsyndromic enlarged vestibular aqueduct (NSEVA). Identifiers: Orphanet 90636, MedGen C3538946, MONDO:0010933, OMIM 600791.

Submission:

Institute of Rare Diseases, West China Hospital, Sichuan University
Classification: Likely pathogenic for Autosomal recessive nonsyndromic hearing loss 4. Last evaluated: 2025-01-09. Review status: criteria provided, single submitter. Criteria: ClinGen HL ACMG Specifications v1. Collection method: research. Allele origin: germline. Affected: yes.
Comment: PM3;PM5;PM2_Supporting;PP3